The following is an entry in ClinVar:

NM_000204.5(CFI):c.1315G>A (p.Gly439Arg)

Gene: CFI (complement factor I; minus strand). Cytogenetic location: 4q25.
Variant type: single nucleotide variant.
Coding change: c.1315G>A on transcript NM_000204.5 (MANE Select); coding-DNA position 1315, G replaced by A.
Protein change: p.Gly439Arg; replaces glycine 439 with arginine.
Molecular consequence: missense variant. On other transcripts: non-coding transcript variant (2).
Genome position (GRCh38, 1-based): chr4:109,746,336, C>T on the plus strand (G>A on the coding strand, the complement: CFI is on the minus strand). VCF-style: chr4-109746336-C-T. GRCh37 (hg19) VCF-style: chr4-110667492-C-T.
Other names: c.1339G>A, p.Gly447Arg (NM_001318057.2, NM_001375278.1); c.1294G>A, p.Gly432Arg (NM_001331035.2, NM_001375280.1, NM_001375282.1); c.1315G>A, p.Gly439Arg (NM_001375279.1, NM_001375281.1); c.1258G>A, p.Gly420Arg (NM_001375283.1); c.706G>A, p.Gly236Arg (NM_001375284.1); short protein forms G236R, G420R, G432R, G439R, G447R.
Identifiers: ClinVar variation 1558862 (VCV001558862.10), dbSNP rs568632297, ClinGen allele CA3041943.

ClinVar aggregate classification (germline): Conflicting classifications of pathogenicity. Review status: criteria provided, conflicting classifications (1 of 4 stars). 3 submissions from 3 submitters: Uncertain significance (1); Benign (1); Likely benign (1). Last evaluated 2026-01-26.

Conditions:
Atypical hemolytic-uremic syndrome with I factor anomaly. Also called: HEMOLYTIC UREMIC SYNDROME, ATYPICAL, SUSCEPTIBILITY TO, 3; AHUS, SUSCEPTIBILITY TO, 3. Identifiers: Orphanet 2134, MedGen C2752039, MONDO:0013041, OMIM 612923.
Factor I deficiency (CFID). Also called: Complement factor I deficiency. Identifiers: Orphanet 200418, MedGen C3463916, MONDO:0012594, OMIM 610984.
Age related macular degeneration 13. Identifiers: MedGen C3809523, MONDO:0014189, OMIM 615439.
CFI-related disorder. Also called: CFI-related condition; CFI-related disorders. Identifiers: MedGen CN239325.

Allele frequency attached by ClinVar (database versions not stated): gnomAD 0.00001 and 0.00008; TOPMed 0.00003; gnomAD exomes 0.00015 and 0.00036; 1000 Genomes Project 30x 0.00016; 1000 Genomes Project 0.00020; ExAC 0.00027.
gnomAD v4.1: 238 of 1,614,096 alleles (0.015%); highest among the groups gnomAD compares: South Asian, 0.23%; 1 homozygote.

Submissions (3):

Labcorp Genetics (formerly Invitae), Labcorp
Classification: Benign. Last evaluated: 2026-01-26. Review status: criteria provided, single submitter. Criteria: Invitae Variant Classification Sherloc (09022015). Collection method: clinical testing. Allele origin: germline.

Genomenon, Inc
Classification: Likely benign for CFI-related disorder. Last evaluated: 2025-09-26. Review status: criteria provided, single submitter. Criteria: Genomenon Sequence Variant Interpretation Standards - Updated. Collection method: curation. Allele origin: germline. Affected: no.
Comment: CFI p.Gly439Arg (c.1315G>A) is a missense variant that changes the amino acid at residue 439 from Glycine to Arginine. This variant has been reported in the published literature (PMID:27268256). This variant’s allele frequency in gnomAD is greater than expected for this disorder. In conclusion, we classify CFI p.Gly439Arg (c.1315G>A) as a likely benign variant.

Fulgent Genetics
Classification: Uncertain significance for Factor I deficiency; Atypical hemolytic-uremic syndrome with I factor anomaly; Age related macular degeneration 13. Last evaluated: 2024-01-22. Review status: criteria provided, single submitter. Criteria: ACMG Guidelines, 2015. Collection method: clinical testing. Allele origin: germline.

Literature cited by the submitters: PubMed 27268256 (cited by Genomenon, Inc).